The following is an entry in ClinVar:

ClinVar aggregate classification (germline): Uncertain significance. Review status: criteria provided, multiple submitters, no conflicts (2 of 4 stars). 2 submissions from 2 submitters: Uncertain significance (2). Last evaluated 2026-01-11.

Conditions:
Hereditary nonpolyposis colorectal neoplasms. Identifiers: MedGen C0009405, MeSH D003123.
Hereditary cancer-predisposing syndrome. Also called: Tumor predisposition; Neoplastic Syndromes, Hereditary; Hereditary Cancer Syndrome; Hereditary neoplastic syndrome. Identifiers: Orphanet 140162, MedGen C0027672, MeSH D009386, MONDO:0015356.

Submissions (2):

Labcorp Genetics (formerly Invitae), Labcorp
Classification: Uncertain significance for Hereditary nonpolyposis colorectal neoplasms. Last evaluated: 2026-01-11. Review status: criteria provided, single submitter. Criteria: Invitae Variant Classification Sherloc (09022015). Collection method: clinical testing. Allele origin: germline.
Comment: This sequence change replaces serine, which is neutral and polar, with asparagine, which is neutral and polar, at codon 242 of the MSH6 protein (p.Ser242Asn). This variant is not present in population databases (gnomAD no frequency). This variant has not been reported in the literature in individuals affected with MSH6-related conditions. ClinVar contains an entry for this variant (Variation ID: 1380166). Invitae Evidence Modeling of protein sequence and biophysical properties (such as structural, functional, and spatial information, amino acid conservation, physicochemical variation, residue mobility, and thermodynamic stability) indicates that this missense variant is not expected to disrupt MSH6 protein function with a negative predictive value of 95%. In summary, the available evidence is currently insufficient to determine the role of this variant in disease. Therefore, it has been classified as a Variant of Uncertain Significance.

Ambry Genetics
Classification: Uncertain significance for Hereditary cancer-predisposing syndrome. Last evaluated: 2022-12-18. Review status: criteria provided, single submitter. Criteria: Ambry Variant Classification Scheme 2023. Collection method: clinical testing. Allele origin: germline.
Comment: The p.S242N variant (also known as c.725G>A), located in coding exon 4 of the MSH6 gene, results from a G to A substitution at nucleotide position 725. The serine at codon 242 is replaced by asparagine, an amino acid with highly similar properties. This amino acid position is conserved. In addition, the in silico prediction for this alteration is inconclusive. Since supporting evidence is limited at this time, the clinical significance of this alteration remains unclear.

NM_000179.3(MSH6):c.725G>A (p.Ser242Asn)

Gene: MSH6 (mutS homolog 6; plus strand). Cytogenetic location: 2p16.3.
Variant type: single nucleotide variant.
Coding change: c.725G>A on transcript NM_000179.3 (MANE Select); coding-DNA position 725, G replaced by A.
Protein change: p.Ser242Asn; replaces serine 242 with asparagine.
Molecular consequence: missense variant. On other transcripts: 5 prime UTR variant (2).
Genome position (GRCh38, 1-based): chr2:47,798,708, G>A. VCF-style: chr2-47798708-G-A. GRCh37 (hg19) VCF-style: chr2-48025847-G-A.
Other names: c.725G>A (NM_000179.2); c.335G>A, p.Ser112Asn (NM_001281492.2); c.-182G>A (NM_001281493.2, NM_001281494.2); short protein forms S112N, S242N.
Identifiers: ClinVar variation 1380166 (VCV001380166.8), dbSNP rs1060502925, ClinGen allele CA346740017.